The following is an entry in ClinVar:

NM_004370.6(COL12A1):c.4519T>C (p.Tyr1507His)

Gene: COL12A1 (collagen type XII alpha 1 chain; minus strand). Cytogenetic location: 6q13.
Variant type: single nucleotide variant.
Coding change: c.4519T>C on transcript NM_004370.6 (MANE Select); coding-DNA position 4519, T replaced by C.
Protein change: p.Tyr1507His; replaces tyrosine 1507 with histidine.
Molecular consequence: missense variant.
Genome position (GRCh38, 1-based): chr6:75,146,143, A>G on the plus strand (T>C on the coding strand, the complement: COL12A1 is on the minus strand). VCF-style: chr6-75146143-A-G. GRCh37 (hg19) VCF-style: chr6-75855859-A-G.
Other names: p.Tyr1507His; c.4519T>C, p.Tyr1507His (NM_001424113.1, NM_001424114.1); c.4246T>C, p.Tyr1416His (NM_001424115.1); c.1027T>C, p.Tyr343His (NM_001424116.1, NM_080645.3); short protein forms Y1507H, Y1416H, Y343H.
Identifiers: ClinVar variation 4541187 (VCV004541187.1).

ClinVar aggregate classification (germline): Uncertain significance (1 of 4 stars; one submission).

gnomAD v4.1: 1 of 1,612,812 alleles (0.000062%); highest among the groups gnomAD compares: Non-Finnish European, 0.000085%; no homozygotes.

Submission:

Mayo Clinic Laboratories, Mayo Clinic
Classification: Uncertain significance. Last evaluated: 2025-09-25. Review status: criteria provided, single submitter. Criteria: ACMG Guidelines, 2015. Collection method: clinical testing. Allele origin: germline. Observed: 1 variant allele.
Comment: PM2_supporting